The following is an entry in ClinVar:

NM_001845.6(COL4A1):c.1466-6C>T

Gene: COL4A1 (collagen type IV alpha 1 chain; minus strand). Cytogenetic location: 13q34.
Variant type: single nucleotide variant.
Coding change: c.1466-6C>T on transcript NM_001845.6 (MANE Select); 6 bases into the intron before coding-DNA position 1466, C replaced by T.
Molecular consequence: intron variant.
Genome position (GRCh38, 1-based): chr13:110,192,290, G>A on the plus strand (C>T on the coding strand, the complement: COL4A1 is on the minus strand). VCF-style: chr13-110192290-G-A. GRCh37 (hg19) VCF-style: chr13-110844637-G-A.
Other names: p.?; c.1466-6C>T (NM_001303110.2).
Identifiers: ClinVar variation 195811 (VCV000195811.59), dbSNP rs183563055, ClinGen allele CA242433.

ClinVar aggregate classification (germline): Conflicting classifications of pathogenicity. Review status: criteria provided, conflicting classifications (1 of 4 stars). 11 submissions from 10 submitters: Uncertain significance (1); Benign (5); Likely benign (4). 1 of the submissions does not count toward it. Last evaluated 2026-08-01.

Conditions:
COL4A1-related disorder. Also called: COL4A1-related condition; COL4A1-related disorders. Identifiers: MedGen CN376119, MONDO:0800461.
Brain small vessel disease 1 with or without ocular anomalies (BSVD1). Also called: BRAIN SMALL VESSEL DISEASE WITH HEMORRHAGE; Brain small vessel disease with or without ocular anomalies; GOULD SYNDROME 1; PORENCEPHALY, TYPE 1, AUTOSOMAL DOMINANT. Identifiers: Orphanet 2940, Orphanet 36383, Orphanet 99810, MedGen C4755307, MONDO:0008289, OMIM 175780.
Inborn genetic diseases. Identifiers: MedGen C0950123, MeSH D030342.
Autosomal dominant familial hematuria-retinal arteriolar tortuosity-contractures syndrome. Also called: Angiopathy, hereditary, with nephropathy, aneurysms, and muscle cramps; Hereditary Angiopathy with Nephropathy, Aneurysms, and Muscle Cramps (HANAC) Syndrome. Identifiers: Orphanet 73229, MedGen C2673195, MONDO:0012726, OMIM 611773.

Allele frequency attached by ClinVar (database versions not stated): 1000 Genomes Project 0.00080; 1000 Genomes Project 30x 0.00094; ExAC 0.00136; TOPMed 0.00148; gnomAD 0.00149 and 0.00150; gnomAD exomes 0.00155 and 0.00210; ESP Exome Variant Server 0.00169.
gnomAD v4.1: 3,297 of 1,614,020 alleles (0.2%); highest among the groups gnomAD compares: Non-Finnish European, 0.24%; 5 homozygotes.

Submissions (12):

CeGaT Center for Human Genetics Tuebingen
Classification: Likely benign. Last evaluated: 2026-08-01. Review status: criteria provided, single submitter. Criteria: CeGaT Center For Human Genetics Tuebingen Variant Classification Criteria Version 2. Collection method: clinical testing. Allele origin: germline. Affected: yes. Observed: 15 variant alleles.
Comment: COL4A1: BP4, BS1

Labcorp Genetics (formerly Invitae), Labcorp
Classification: Benign. Last evaluated: 2026-02-01. Review status: criteria provided, single submitter. Criteria: Invitae Variant Classification Sherloc (09022015). Collection method: clinical testing. Allele origin: germline.

Mayo Clinic Laboratories, Mayo Clinic
Classification: Benign. Last evaluated: 2025-09-02. Review status: criteria provided, single submitter. Criteria: ACMG Guidelines, 2015. Collection method: clinical testing. Allele origin: germline. Observed: 3 variant alleles.
Comment: BS1, BS2, BP4, BP7

Ambry Genetics
Classification: Likely benign for Inborn genetic diseases. Last evaluated: 2025-07-11. Review status: criteria provided, single submitter. Criteria: Ambry Variant Classification Scheme 2023. Collection method: clinical testing. Allele origin: germline.

Blueprint Genetics
Classification: Likely benign. Last evaluated: 2024-11-19. Review status: criteria provided, single submitter. Criteria: ACMG Guidelines, 2015. Collection method: clinical testing. Allele origin: germline.

ARUP Laboratories, Molecular Genetics and Genomics, ARUP Laboratories
Classification: Benign. Last evaluated: 2024-09-25. Review status: criteria provided, single submitter. Criteria: ARUP Molecular Germline Variant Investigation Process 2024. Collection method: clinical testing. Allele origin: germline.

GeneDx
Classification: Likely benign. Last evaluated: 2020-11-30. Review status: criteria provided, single submitter. Criteria: GeneDx Variant Classification Process June 2021. Collection method: clinical testing. Allele origin: germline. Affected: yes.

Illumina Laboratory Services, Illumina
Classification: Benign for Brain small vessel disease 1 with or without ocular anomalies. Last evaluated: 2018-01-12. Review status: criteria provided, single submitter. Criteria: ICSL Variant Classification Criteria 13 December 2019. Collection method: clinical testing. Allele origin: germline.
Comment: This variant was observed in the ICSL laboratory as part of a predisposition screen in an ostensibly healthy population. It had not been previously curated by ICSL or reported in the Human Gene Mutation Database (HGMD: prior to June 1st, 2018), and was therefore a candidate for classification through an automated scoring system. Utilizing variant allele frequency, disease prevalence and penetrance estimates, and inheritance mode, an automated score was calculated to assess if this variant is too frequent to cause the disease. Based on the score and internal cut-off values, a variant classified as benign is not then subjected to further curation. The score for this variant resulted in a classification of benign for this disease.

Illumina Laboratory Services, Illumina
Classification: Benign for Autosomal dominant familial hematuria-retinal arteriolar tortuosity-contractures syndrome. Last evaluated: 2018-01-12. Review status: criteria provided, single submitter. Criteria: ICSL Variant Classification Criteria 13 December 2019. Collection method: clinical testing. Allele origin: germline.
Comment: the same text as in the submission from Illumina Laboratory Services, Illumina above.

Eurofins Ntd Llc (ga)
Classification: Uncertain significance. Last evaluated: 2014-12-11. Review status: criteria provided, single submitter. Criteria: EGL Classification Definitions 2015. Collection method: clinical testing. Allele origin: germline. Observed: 1 variant allele, 1 heterozygote.

PreventionGenetics, part of Exact Sciences
Classification: Benign for COL4A1-related condition. Last evaluated: 2020-01-08. Review status: no assertion criteria provided. Collection method: clinical testing. Allele origin: germline. Not counted in ClinVar's aggregate classification.
Comment: This variant is classified as benign based on ACMG/AMP sequence variant interpretation guidelines (Richards et al. 2015 PMID: 25741868, with internal and published modifications).

Dr. Peter K. Rogan Lab, Western University
No classification provided (evidence only). Condition: Uterine carcinosarcoma. Review status: no classification provided. Collection method: in vitro. Allele origin: not applicable. Functional consequence: retained intron. Not counted in ClinVar's aggregate classification.